The following is an entry in ClinVar:

NM_005219.5(DIAPH1):c.3276C>T (p.Ser1092=)

Gene: DIAPH1 (diaphanous related formin 1; minus strand). Cytogenetic location: 5q31.3.
Variant type: single nucleotide variant.
Coding change: c.3276C>T on transcript NM_005219.5 (MANE Select); coding-DNA position 3276, C replaced by T.
Protein change: p.Ser1092=; no amino-acid change (serine 1092 retained).
Molecular consequence: synonymous variant.
Genome position (GRCh38, 1-based): chr5:141,526,459, G>A on the plus strand (C>T on the coding strand, the complement: DIAPH1 is on the minus strand). VCF-style: chr5-141526459-G-A. GRCh37 (hg19) VCF-style: chr5-140906026-G-A.
Other names: c.3249C>T, p.Ser1083= (NM_001079812.3); c.3276C>T, p.Ser1092= (NM_001314007.2); c.3276C>T (NM_005219.4).
Identifiers: ClinVar variation 1138155 (VCV001138155.12), dbSNP rs369559394, ClinGen allele CA3478807.

ClinVar aggregate classification (germline): Likely benign. Review status: criteria provided, multiple submitters, no conflicts (2 of 4 stars). 3 submissions from 3 submitters: Likely benign (2). 1 of the submissions does not count toward it. Last evaluated 2025-04-18.

Conditions:
Autosomal dominant nonsyndromic hearing loss 1. Also called: KONIGSMARK SYNDROME; DEAFNESS, AUTOSOMAL DOMINANT 1, WITH OR WITHOUT THROMBOCYTOPENIA. Identifiers: Orphanet 90635, MedGen C1852282, MONDO:0007424, OMIM 124900.
Progressive microcephaly-seizures-cortical blindness-developmental delay syndrome. Also called: Seizures, cortical blindness, and microcephaly syndrome. Identifiers: Orphanet 477814, MedGen C5567650, MONDO:0014714, OMIM 616632.
DIAPH1-related disorder. Also called: DIAPH1-related condition.

Allele frequency attached by ClinVar (database versions not stated): gnomAD exomes below 0.00001; ExAC 0.00001; gnomAD 0.00001; ESP Exome Variant Server 0.00008.
gnomAD v4.1: 1 of 1,614,010 alleles (0.000062%); highest among the groups gnomAD compares: African/African-American, 0.0013%; no homozygotes.

Submissions (3):

Labcorp Genetics (formerly Invitae), Labcorp
Classification: Likely benign for Progressive microcephaly-seizures-cortical blindness-developmental delay syndrome; Autosomal dominant nonsyndromic hearing loss 1. Last evaluated: 2025-04-18. Review status: criteria provided, single submitter. Criteria: Invitae Variant Classification Sherloc (09022015). Collection method: clinical testing. Allele origin: germline.

Fulgent Genetics
Classification: Likely benign for Autosomal dominant nonsyndromic hearing loss 1; Progressive microcephaly-seizures-cortical blindness-developmental delay syndrome. Last evaluated: 2021-07-30. Review status: criteria provided, single submitter. Criteria: ACMG Guidelines, 2015. Collection method: clinical testing. Allele origin: unknown.

PreventionGenetics, part of Exact Sciences
Classification: Likely benign for DIAPH1-related condition. Last evaluated: 2022-05-02. Review status: no assertion criteria provided. Collection method: clinical testing. Allele origin: germline. Not counted in ClinVar's aggregate classification.
Comment: This variant is classified as likely benign based on ACMG/AMP sequence variant interpretation guidelines (Richards et al. 2015 PMID: 25741868, with internal and published modifications).